The following is an entry in ClinVar:

ClinVar aggregate classification (germline): Benign/Likely benign. Review status: criteria provided, multiple submitters, no conflicts (2 of 4 stars). 4 submissions from 4 submitters: Benign (2); Likely benign (1). 1 of the submissions does not count toward it. Last evaluated 2026-05-12.

Conditions:
RREB1-related disorder. Also called: RREB1-related condition.

Allele frequency attached by ClinVar (database versions not stated): ExAC 0.00129; gnomAD exomes 0.00148; ESP Exome Variant Server 0.00300; gnomAD 0.00348 and 0.00370; 1000 Genomes Project 0.00359; TOPMed 0.00419; 1000 Genomes Project 30x 0.00422.
gnomAD v4.1: 1,988 of 1,592,542 alleles (0.12%); highest among the groups gnomAD compares: African/African-American, 1%; 6 homozygotes.

Submissions (4):

Women's Health and Genetics/Laboratory Corporation of America, LabCorp
Classification: Benign. Last evaluated: 2026-05-12. Review status: criteria provided, single submitter. Criteria: LabCorp Variant Classification Summary - May 2015. Collection method: clinical testing. Allele origin: germline.

CeGaT Center for Human Genetics Tuebingen
Classification: Likely benign. Last evaluated: 2026-04-01. Review status: criteria provided, single submitter. Criteria: CeGaT Center For Human Genetics Tuebingen Variant Classification Criteria Version 2. Collection method: clinical testing. Allele origin: germline. Affected: yes. Observed: 2 variant alleles.
Comment: RREB1: BP4, BP7, BS1

Labcorp Genetics (formerly Invitae), Labcorp
Classification: Benign. Last evaluated: 2019-12-31. Review status: criteria provided, single submitter. Criteria: Invitae Variant Classification Sherloc (09022015). Collection method: clinical testing. Allele origin: germline.

PreventionGenetics, part of Exact Sciences
Classification: Benign for RREB1-related condition. Last evaluated: 2019-02-21. Review status: no assertion criteria provided. Collection method: clinical testing. Allele origin: germline. Not counted in ClinVar's aggregate classification.
Comment: This variant is classified as benign based on ACMG/AMP sequence variant interpretation guidelines (Richards et al. 2015 PMID: 25741868, with internal and published modifications).

NM_001003699.4(RREB1):c.2397C>T (p.Phe799=)

Gene: RREB1 (ras responsive element binding protein 1; plus strand). Cytogenetic location: 6p24.3.
Variant type: single nucleotide variant.
Coding change: c.2397C>T on transcript NM_001003699.4 (MANE Select); coding-DNA position 2397, C replaced by T.
Protein change: p.Phe799=; no amino-acid change (phenylalanine 799 retained).
Molecular consequence: synonymous variant.
Genome position (GRCh38, 1-based): chr6:7,230,496, C>T. VCF-style: chr6-7230496-C-T. GRCh37 (hg19) VCF-style: chr6-7230729-C-T.
Other names: c.2397C>T, p.Phe799= (NM_001003698.4, NM_001003700.2, NM_001168344.2).
Identifiers: ClinVar variation 788531 (VCV000788531.11), dbSNP rs114103178, ClinGen allele CA3625804.